The following is an entry in ClinVar:

NM_001903.5(CTNNA1):c.1520C>G (p.Ser507Cys)

Gene: CTNNA1 (catenin alpha 1; plus strand). Cytogenetic location: 5q31.2.
Variant type: single nucleotide variant.
Coding change: c.1520C>G on transcript NM_001903.5 (MANE Select); coding-DNA position 1520, C replaced by G.
Protein change: p.Ser507Cys; replaces serine 507 with cysteine.
Molecular consequence: missense variant.
Genome position (GRCh38, 1-based): chr5:138,917,872, C>G. VCF-style: chr5-138917872-C-G. GRCh37 (hg19) VCF-style: chr5-138253561-C-G.
Other names: c.1520C>G, p.Ser507Cys (NM_001290307.3, NM_001323982.2, NM_001323983.1 and 2 more transcripts); c.1211C>G, p.Ser404Cys (NM_001290309.3); c.1151C>G, p.Ser384Cys (NM_001290310.3); c.410C>G, p.Ser137Cys (NM_001290312.1, NM_001323987.1, NM_001323988.1 and 17 more transcripts); c.1427C>G, p.Ser476Cys (NM_001323986.2); c.71C>G, p.Ser24Cys (NM_001324006.1, NM_001324007.1, NM_001324008.1 and 2 more transcripts); c.317C>G, p.Ser106Cys (NM_001324011.1); c.167C>G, p.Ser56Cys (NM_001324012.1, NM_001324013.1); short protein forms S106C, S137C, S24C, S384C, S404C, S476C, S507C, S56C.
Identifiers: ClinVar variation 1019915 (VCV001019915.8), dbSNP rs1762131167, ClinGen allele CA361137371.

ClinVar aggregate classification (germline): Uncertain significance (1 of 4 stars; one submission).

Submission:

Labcorp Genetics (formerly Invitae), Labcorp
Classification: Uncertain significance. Last evaluated: 2024-04-16. Review status: criteria provided, single submitter. Criteria: Invitae Variant Classification Sherloc (09022015). Collection method: clinical testing. Allele origin: germline.
Comment: This sequence change replaces serine, which is neutral and polar, with cysteine, which is neutral and slightly polar, at codon 507 of the CTNNA1 protein (p.Ser507Cys). This variant is not present in population databases (gnomAD no frequency). This variant has not been reported in the literature in individuals affected with CTNNA1-related conditions. ClinVar contains an entry for this variant (Variation ID: 1019915). Advanced modeling of protein sequence and biophysical properties (such as structural, functional, and spatial information, amino acid conservation, physicochemical variation, residue mobility, and thermodynamic stability) performed at Invitae indicates that this missense variant is not expected to disrupt CTNNA1 protein function with a negative predictive value of 80%. In summary, the available evidence is currently insufficient to determine the role of this variant in disease. Therefore, it has been classified as a Variant of Uncertain Significance.